The following is an entry in ClinVar:

NM_005529.7(HSPG2):c.7960G>A (p.Ala2654Thr)

Gene: HSPG2 (heparan sulfate proteoglycan 2; minus strand). Cytogenetic location: 1p36.12.
Variant type: single nucleotide variant.
Coding change: c.7960G>A on transcript NM_005529.7 (MANE Select); coding-DNA position 7960, G replaced by A.
Protein change: p.Ala2654Thr; replaces alanine 2654 with threonine.
Molecular consequence: missense variant.
Genome position (GRCh38, 1-based): chr1:21,847,754, C>T on the plus strand (G>A on the coding strand, the complement: HSPG2 is on the minus strand). VCF-style: chr1-21847754-C-T. GRCh37 (hg19) VCF-style: chr1-22174247-C-T.
Other names: c.7963G>A, p.Ala2655Thr (NM_001291860.2); c.7960G>A (NM_005529.5); short protein forms A2654T, A2655T.
Identifiers: ClinVar variation 3670290 (VCV003670290.3).

ClinVar aggregate classification (germline): Uncertain significance. Review status: criteria provided, multiple submitters, no conflicts (2 of 4 stars). 2 submissions from 2 submitters: Uncertain significance (2). Last evaluated 2025-11-12.

Conditions:
Inborn genetic diseases. Identifiers: MedGen C0950123, MeSH D030342.

gnomAD v4.1: 19 of 1,612,864 alleles (0.0012%); highest among the groups gnomAD compares: African/African-American, 0.008%; no homozygotes.

Submissions (2):

Ambry Genetics
Classification: Uncertain significance for Inborn genetic diseases. Last evaluated: 2025-11-12. Review status: criteria provided, single submitter. Criteria: Ambry Variant Classification Scheme 2023. Collection method: clinical testing. Allele origin: germline.
Comment: The c.7960G>A (p.A2654T) alteration is located in exon 60 (coding exon 60) of the HSPG2 gene. This alteration results from a G to A substitution at nucleotide position 7960, causing the alanine (A) at amino acid position 2654 to be replaced by a threonine (T). Based on data from gnomAD, the A allele has an overall frequency of 0.002% (5/279180) total alleles studied. The highest observed frequency was 0.016% (4/24672) of African alleles. Based on insufficient or conflicting evidence, the clinical significance of this alteration remains unclear.

Labcorp Genetics (formerly Invitae), Labcorp
Classification: Uncertain significance. Last evaluated: 2024-12-04. Review status: criteria provided, single submitter. Criteria: Invitae Variant Classification Sherloc (09022015). Collection method: clinical testing. Allele origin: germline.
Comment: This sequence change replaces alanine, which is neutral and non-polar, with threonine, which is neutral and polar, at codon 2654 of the HSPG2 protein (p.Ala2654Thr). This variant is present in population databases (rs139645957, gnomAD 0.02%). This variant has not been reported in the literature in individuals affected with HSPG2-related conditions. An algorithm developed to predict the effect of missense changes on protein structure and function outputs the following: PolyPhen-2: "Benign". The threonine amino acid residue is found in multiple mammalian species, which suggests that this missense change does not adversely affect protein function. In summary, the available evidence is currently insufficient to determine the role of this variant in disease. Therefore, it has been classified as a Variant of Uncertain Significance.